The following is an entry in ClinVar:

NM_177550.5(SLC13A5):c.1349T>C (p.Leu450Ser)

Gene: SLC13A5 (solute carrier family 13 member 5; minus strand). Cytogenetic location: 17p13.1.
Variant type: single nucleotide variant.
Coding change: c.1349T>C on transcript NM_177550.5 (MANE Select); coding-DNA position 1349, T replaced by C.
Protein change: p.Leu450Ser; replaces leucine 450 with serine.
Molecular consequence: missense variant.
Genome position (GRCh38, 1-based): chr17:6,690,867, A>G on the plus strand (T>C on the coding strand, the complement: SLC13A5 is on the minus strand). VCF-style: chr17-6690867-A-G. GRCh37 (hg19) VCF-style: chr17-6594186-A-G.
Other names: c.1349T>C, p.Leu450Ser (NM_001143838.3); c.1298T>C, p.Leu433Ser (NM_001284509.2); c.1220T>C, p.Leu407Ser (NM_001284510.2); short protein forms L407S, L433S, L450S.
Identifiers: ClinVar variation 2200789 (VCV002200789.3), dbSNP rs139005493, ClinGen allele CA8331409.
Genomic context (GRCh38, chr17:6,690,867, plus strand): 5'-GTGGTGGTGGCCACGTTGCTTGTGCACTCAGTGAACACGGCAACGAGCAAGGACAAGATC[A>G]AGGTGATGGCTGCCGGGGGCACTGCGTGCAAGGGCTCCATCTGCTTCCCCATCCACACGG-3'
Protein context (NP_808218.1, residues 440-460): LHAVPPAAIT[Leu450Ser]ILSLLVAVFT

ClinVar aggregate classification (germline): Uncertain significance. Review status: criteria provided, multiple submitters, no conflicts (2 of 4 stars). 2 submissions from 2 submitters: Uncertain significance (2). Last evaluated 2023-08-09.

Conditions:
Developmental and epileptic encephalopathy, 25 (DEE25). Also called: Epileptic encephalopathy, early infantile, 25; Developmental and epileptic encephalopathy 25, with amelogenesis imperfecta; Epileptic encephalopathy, early infantile, 25, with amelogenesis imperfecta. Identifiers: Orphanet 442835, MedGen C4014621, MONDO:0014392, OMIM 615905.

Allele frequency attached by ClinVar (database versions not stated): ExAC 0.00001; gnomAD exomes 0.00001; gnomAD 0.00003; TOPMed 0.00003; 1000 Genomes Project 30x 0.00016; 1000 Genomes Project 0.00020.
gnomAD v4.1: 15 of 1,613,980 alleles (0.00093%); highest among the groups gnomAD compares: African/African-American, 0.0013%; no homozygotes.

Submissions (2):

Blueprint Genetics
Classification: Uncertain significance. Last evaluated: 2023-08-09. Review status: criteria provided, single submitter. Criteria: ACMG Guidelines, 2015. Collection method: clinical testing. Allele origin: germline.

Labcorp Genetics (formerly Invitae), Labcorp
Classification: Uncertain significance for Developmental and epileptic encephalopathy, 25. Last evaluated: 2022-04-06. Review status: criteria provided, single submitter. Criteria: Invitae Variant Classification Sherloc (09022015). Collection method: clinical testing. Allele origin: germline.
Comment: Algorithms developed to predict the effect of missense changes on protein structure and function are either unavailable or do not agree on the potential impact of this missense change (SIFT: "Deleterious"; PolyPhen-2: "Possibly Damaging"; Align-GVGD: "Class C0"). In summary, the available evidence is currently insufficient to determine the role of this variant in disease. Therefore, it has been classified as a Variant of Uncertain Significance. This variant has not been reported in the literature in individuals affected with SLC13A5-related conditions. This variant is present in population databases (rs139005493, gnomAD 0.002%). This sequence change replaces leucine, which is neutral and non-polar, with serine, which is neutral and polar, at codon 450 of the SLC13A5 protein (p.Leu450Ser).